The following is an entry in ClinVar:

NM_000157.4(GBA1):c.661C>A (p.Pro221Thr)

Genes: GBA1 (glucosylceramidase beta 1; minus strand), LOC106627981 (GBA recombination region; plus strand). Cytogenetic location: 1q22.
Variant type: single nucleotide variant.
Coding change: c.661C>A on transcript NM_000157.4 (MANE Select); coding-DNA position 661, C replaced by A.
Protein change: p.Pro221Thr; replaces proline 221 with threonine.
Molecular consequence: missense variant.
Genome position (GRCh38, 1-based): chr1:155,238,234, G>T on the plus strand (C>A on the coding strand, the complement: GBA1 is on the minus strand). VCF-style: chr1-155238234-G-T. GRCh37 (hg19) VCF-style: chr1-155208025-G-T.
Other names: c.661C>A (NM_000157.3); c.661C>A, p.Pro221Thr (NM_001005741.3, NM_001005742.3); c.400C>A, p.Pro134Thr (NM_001171811.2); c.514C>A, p.Pro172Thr (NM_001171812.2); short protein forms P134T, P172T, P221T.
Identifiers: ClinVar variation 932181 (VCV000932181.4), dbSNP rs866075757, ClinGen allele CA30895561.

ClinVar aggregate classification (germline): Pathogenic/Likely pathogenic. Review status: criteria provided, multiple submitters, no conflicts (2 of 4 stars). 4 submissions from 4 submitters: Pathogenic (1); Likely pathogenic (3). Last evaluated 2025-09-05.

Conditions:
Gaucher disease. Also called: Acute cerebral Gaucher disease; Cerebroside lipidosis syndrome; Gaucher splenomegaly; Sphingolipidosis 1; Glucocerebrosidosis; Glucosylceramidase deficiency. Identifiers: Orphanet 355, MedGen C0017205, MONDO:0018150.
Gaucher disease perinatal lethal. Also called: Gaucher disease collodion type; Gaucher Disease, Perinatal-Lethal Form. Identifiers: Orphanet 85212, MedGen C1842704, MONDO:0011945, OMIM 608013.
Parkinson disease, late-onset (PD). Also called: PARKINSON DISEASE, LATE-ONSET, SUSCEPTIBILITY TO; Hereditary late onset Parkinson disease; Susceptibility to Parkinson's Disease. Identifiers: Orphanet 411602, MedGen C3160718, MONDO:0008199, OMIM 168600.
Gaucher disease type I (GD1). Also called: GAUCHER DISEASE, NONCEREBRAL JUVENILE; GBA DEFICIENCY; GD I; GLUCOCEREBROSIDASE DEFICIENCY; Type 1 Gaucher Disease; ACID BETA-GLUCOSIDASE DEFICIENCY. Identifiers: Orphanet 355, Orphanet 77259, MedGen C1961835, MONDO:0009265, OMIM 230800.
Gaucher disease type II (GD2). Also called: GAUCHER DISEASE, ACUTE NEURONOPATHIC TYPE; GD II; Type 2 Gaucher disease (Acute; Infantile); Acute neuronopathic Gaucher's disease. Identifiers: Orphanet 77260, MedGen C0268250, MONDO:0009266, OMIM 230900.
Gaucher disease type III. Also called: Gaucher Disease, Type 3; GAUCHER DISEASE, CHRONIC NEURONOPATHIC TYPE; GAUCHER DISEASE, JUVENILE AND ADULT, CEREBRAL; GAUCHER DISEASE, SUBACUTE NEURONOPATHIC TYPE; GD III; Type 3 Gaucher disease (Subacute; Juvenile). Identifiers: Orphanet 355, Orphanet 77261, MedGen C0268251, MONDO:0009267, OMIM 231000.
Gaucher disease-ophthalmoplegia-cardiovascular calcification syndrome. Also called: GAUCHER DISEASE, TYPE IIIC. Identifiers: Orphanet 2072, MedGen C1856476, MONDO:0009268, OMIM 231005.
Lewy body dementia (DLB). Also called: Lewy Body Disease. Identifiers: MedGen C0752347, MONDO:0007488, OMIM 127750.

Allele frequency attached by ClinVar (database versions not stated): TOPMed below 0.00001; gnomAD exomes 0.00001.
gnomAD v4.1: 15 of 1,613,884 alleles (0.00093%); highest among the groups gnomAD compares: Non-Finnish European, 0.0013%; no homozygotes.

Submissions (4):

Natera, Inc.
Classification: Likely pathogenic for Gaucher disease. Last evaluated: 2025-09-05. Review status: criteria provided, single submitter. Criteria: Natera Variant Classification Schema (03/2026). Collection method: clinical testing. Allele origin: germline.
Comment: The c.661C>A variant in GBA1 is a missense variant predicted to cause substitution of proline to threonine at amino acid 221. This variant is rare in the general population with a frequency below the threshold expected for the associated phenotype(s). This variant has been observed in one or more individuals affected with the associated recessive disease, as either homozygous or compound heterozygous with a second variant (PMID: 34649574, 8790604). Computational prediction algorithms indicate this variant is likely to affect gene or protein function. Given the available evidence, this variant is classified as Likely Pathogenic.

GeneDx
Classification: Likely pathogenic. Last evaluated: 2024-06-20. Review status: criteria provided, single submitter. Criteria: GeneDx Variant Classification Process June 2021. Collection method: clinical testing. Allele origin: germline. Affected: yes.
Comment: Not observed at significant frequency in large population cohorts (gnomAD); In silico analysis supports that this missense variant has a deleterious effect on protein structure/function; Also known as p.P182T; This variant is associated with the following publications: (PMID: 8790604)

Fulgent Genetics
Classification: Pathogenic for Lewy body dementia; Parkinson disease, late-onset; Gaucher disease type I; Gaucher disease type II; Gaucher disease type III; Gaucher disease-ophthalmoplegia-cardiovascular calcification syndrome; Gaucher disease perinatal lethal. Last evaluated: 2022-04-19. Review status: criteria provided, single submitter. Criteria: ACMG Guidelines, 2015. Collection method: clinical testing. Allele origin: unknown.

Women's Health and Genetics/Laboratory Corporation of America, LabCorp
Classification: Likely pathogenic for Gaucher disease. Last evaluated: 2020-06-03. Review status: criteria provided, single submitter. Criteria: LabCorp Variant Classification Summary - May 2015. Collection method: clinical testing. Allele origin: germline.
Comment: Variant summary: GBA c.661C>A (p.Pro221Thr, legacy name Pro182Thr) results in a non-conservative amino acid change located in the Glycosyl hydrolase family 30, TIM-barrel domain (IPR033453) of the encoded protein sequence. Five of five in-silico tools predict a damaging effect of the variant on protein function. The variant was absent in 251024 control chromosomes. c.661C>A has been reported in the literature in at-least one individual affected with Gaucher Disease Type 1 (Beutler_1994) and has been subsequently cited by others (example, Duran_2012, McNeill_2012, Hruska_2008, Atrian_2008, Grabowski_1997). Additional Gaucher Disease patients with this variant have been reported as part of the GAUCHERITE study database (Donald_2019, unpublished data). As the GAUCHERITE study is a multicenter observational stratified medicine project of UK patients with a confirmed biochemical diagnosis of Gaucher disease (NCT03240653), these data indicate that the variant is likely to be associated with disease. To our knowledge, no experimental evidence demonstrating an impact on protein function has been reported. No clinical diagnostic laboratories have submitted clinical-significance assessments for this variant to ClinVar after 2014. Based on the evidence outlined above, the variant was classified as likely pathogenic.

Literature cited by the submitters: PubMed 34649574 (cited by Natera, Inc.); PubMed 8790604 (cited by Natera, Inc. and Women's Health and Genetics/Laboratory Corporation of America, LabCorp); PubMed 22658918 (cited by Women's Health and Genetics/Laboratory Corporation of America, LabCorp); PubMed 17803231 (cited by Women's Health and Genetics/Laboratory Corporation of America, LabCorp); PubMed 9497856 (cited by Women's Health and Genetics/Laboratory Corporation of America, LabCorp); PubMed 22344629 (cited by Women's Health and Genetics/Laboratory Corporation of America, LabCorp).